The following is an entry in ClinVar:

ClinVar aggregate classification (germline): Uncertain significance (1 of 4 stars; one submission).

Conditions:
Atrial fibrillation, familial, 6 (ATFB6). Identifiers: MedGen C2677294, MONDO:0012816, OMIM 612201.

Submission:

Labcorp Genetics (formerly Invitae), Labcorp
Classification: Uncertain significance for Atrial fibrillation, familial, 6. Last evaluated: 2018-02-15. Review status: criteria provided, single submitter. Criteria: Invitae Variant Classification Sherloc (09022015). Collection method: clinical testing. Allele origin: germline.
Comment: This variant, c.219_227del, results in the deletion of 3 amino acids of the NPPA protein (p.Ser75_Leu77del), but otherwise preserves the integrity of the reading frame. This variant is not present in population databases (ExAC no frequency). In summary, the available evidence is currently insufficient to determine the role of this variant in disease. Therefore, it has been classified as a Variant of Uncertain Significance. Experimental studies and prediction algorithms are not available for this variant, and the functional significance of the deleted amino acid(s) is currently unknown. This variant has not been reported in the literature in individuals with NPPA-related disease.

NM_006172.4(NPPA):c.219_227del (p.Ser75_Leu77del)

Genes: NPPA-AS1 (NPPA antisense RNA 1; plus strand), NPPA (natriuretic peptide A; minus strand), LOC114827827 (VISTA enhancer hs2123; plus strand). Cytogenetic location: 1p36.22.
Variant type: Deletion.
Coding change: c.219_227del on transcript NM_006172.4 (MANE Select); coding-DNA positions 219 to 227, 9 bases deleted (TCTCAGCCC; older notation c.219_227delTCTCAGCCC).
Protein change: p.Ser75_Leu77del.
Molecular consequence: inframe deletion.
Genome position (GRCh38, 1-based): chr1:11,847,336-11,847,344, GGGCTGAGA deleted on the plus strand (TCTCAGCCC on the coding strand, the reverse complement: NPPA is on the minus strand); deleting any 9 consecutive bases within chr1:11,847,336-11,847,345 gives the same sequence; the c. name uses the placement nearest the transcript's 3' end. VCF-style (leftmost placement, unchanged base first): chr1-11847335-GGGGCTGAGA-G. GRCh37 (hg19) VCF-style: chr1-11907392-GGGGCTGAGA-G.
Other names: c.219_227del (LRG_751t1).
Identifiers: ClinVar variation 573319 (VCV000573319.8), dbSNP rs1557442938, ClinGen allele CA891842425.